The following is an entry in ClinVar:

ClinVar aggregate classification (germline): Uncertain significance (1 of 4 stars; one submission).

Submission:

Labcorp Genetics (formerly Invitae), Labcorp
Classification: Uncertain significance. Last evaluated: 2021-04-09. Review status: criteria provided, single submitter. Criteria: Invitae Variant Classification Sherloc (09022015). Collection method: clinical testing. Allele origin: germline.
Comment: This variant has not been reported in the literature in individuals with AGPS-related conditions. In summary, the available evidence is currently insufficient to determine the role of this variant in disease. Therefore, it has been classified as a Variant of Uncertain Significance. Algorithms developed to predict the effect of missense changes on protein structure and function (SIFT, PolyPhen-2, Align-GVGD) all suggest that this variant is likely to be tolerated, but these predictions have not been confirmed by published functional studies and their clinical significance is uncertain. This variant is not present in population databases (ExAC no frequency). This sequence change replaces isoleucine with valine at codon 381 of the AGPS protein (p.Ile381Val). The isoleucine residue is moderately conserved and there is a small physicochemical difference between isoleucine and valine.

NM_003659.4(AGPS):c.1141A>G (p.Ile381Val)

Gene: AGPS (alkylglycerone phosphate synthase; plus strand). Cytogenetic location: 2q31.2.
Variant type: single nucleotide variant.
Coding change: c.1141A>G on transcript NM_003659.4 (MANE Select); coding-DNA position 1141, A replaced by G.
Protein change: p.Ile381Val; replaces isoleucine 381 with valine.
Molecular consequence: missense variant.
Genome position (GRCh38, 1-based): chr2:177,482,094, A>G. VCF-style: chr2-177482094-A-G. GRCh37 (hg19) VCF-style: chr2-178346822-A-G.
Other names: short protein forms I381V.
Identifiers: ClinVar variation 1377030 (VCV001377030.8), dbSNP rs2105693491, ClinGen allele CA349361145.